The following is an entry in ClinVar:

NM_003919.3(SGCE):c.1253+5G>A

Genes: CASD1 (CAS1 domain sialic acid O acetyltransferase 1; plus strand), SGCE (sarcoglycan epsilon; minus strand). Cytogenetic location: 7q21.3.
Variant type: single nucleotide variant.
Coding change: c.1253+5G>A on transcript NM_003919.3 (MANE Select); 5 bases into the intron after coding-DNA position 1253, G replaced by A.
Molecular consequence: intron variant.
Genome position (GRCh38, 1-based): chr7:94,598,770, C>T on the plus strand (G>A on the coding strand, the complement: SGCE is on the minus strand). VCF-style: chr7-94598770-C-T. GRCh37 (hg19) VCF-style: chr7-94228082-C-T.
Other names: c.1103+5G>A (NM_001362809.2); c.1130+5G>A (NM_001301139.2); c.1226+5G>A (NM_001346717.2, NM_001099400.2); c.1253+5G>A (NM_001099401.2); c.1334+5G>A (NM_001346715.2); c.1361+5G>A (NM_001346713.2); c.1139+5G>A (NM_001362807.2); c.953+5G>A (NM_001362808.2); and 2 more.
Identifiers: ClinVar variation 4730078 (VCV004730078.1).

ClinVar aggregate classification (germline): Uncertain significance (1 of 4 stars; one submission).

Conditions:
Myoclonic dystonia 11 (DYT11). Also called: Myoclonic dystonia; Dystonia 11; Dystonia, alcohol responsive; Hereditary essential myoclonus; SGCE Myoclonus-Dystonia; Myoclonus-Dystonia. Identifiers: Orphanet 36899, MedGen C1834570, MONDO:0008044, OMIM 159900.

Submission:

Labcorp Genetics (formerly Invitae), Labcorp
Classification: Uncertain significance for Myoclonic dystonia 11. Last evaluated: 2025-10-28. Review status: criteria provided, single submitter. Criteria: Invitae Variant Classification Sherloc (09022015). Collection method: clinical testing. Allele origin: germline.
Comment: This sequence change falls in intron 9 of the SGCE gene. It does not directly change the encoded amino acid sequence of the SGCE protein. It affects a nucleotide within the consensus splice site. This variant is not present in population databases (gnomAD no frequency). This variant has not been reported in the literature in individuals affected with SGCE-related conditions. Variants that disrupt the consensus splice site are a relatively common cause of aberrant splicing (PMID: 17576681, 9536098). Algorithms developed to predict the effect of sequence changes on RNA splicing suggest that this variant may disrupt the consensus splice site. In summary, the available evidence is currently insufficient to determine the role of this variant in disease. Therefore, it has been classified as a Variant of Uncertain Significance.

Literature cited by the submitters: PubMed 17576681; PubMed 9536098.